The following is an entry in ClinVar:

ClinVar aggregate classification (germline): Uncertain significance (1 of 4 stars; one submission).

Submission:

GeneDx
Classification: Uncertain significance. Last evaluated: 2020-07-14. Review status: criteria provided, single submitter. Criteria: GeneDx Variant Classification Process June 2021. Collection method: clinical testing. Allele origin: germline. Affected: yes.
Comment: Has not been previously published as pathogenic or benign to our knowledge; Not observed in large population cohorts (Lek et al., 2016); In silico analysis supports that this missense variant has a deleterious effect on protein structure/function

NM_001148.6(ANK2):c.968C>T (p.Ala323Val)

Gene: ANK2 (ankyrin 2; plus strand). Cytogenetic location: 4q26.
Variant type: single nucleotide variant.
Coding change: c.968C>T on transcript NM_001148.6 (MANE Select); coding-DNA position 968, C replaced by T.
Protein change: p.Ala323Val; replaces alanine 323 with valine.
Molecular consequence: missense variant.
Genome position (GRCh38, 1-based): chr4:113,249,840, C>T. VCF-style: chr4-113249840-C-T. GRCh37 (hg19) VCF-style: chr4-114170996-C-T.
Other names: c.905C>T, p.Ala302Val (NM_001127493.3, NM_001354239.2, NM_001354243.2 and 14 more transcripts); c.968C>T, p.Ala323Val (NM_001354225.2, NM_001354228.2, NM_001354232.2 and 9 more transcripts); c.1013C>T, p.Ala338Val (NM_001354230.2, NM_001354231.2, NM_001354237.2 and 5 more transcripts); c.881C>T, p.Ala294Val (NM_001354249.2, NM_001354260.2, NM_001354264.2 and 16 more transcripts); c.926C>T, p.Ala309Val (NM_001354261.2, NM_001386147.1, NM_001386160.1); c.956C>T, p.Ala319Val (NM_001354269.3, NM_001386148.2, NM_001386186.2); c.1019C>T, p.Ala340Val (NM_001386174.1); c.995C>T, p.Ala332Val (NM_001386175.1); and 1 more; short protein forms A294V, A302V, A309V, A311V, A319V, A323V, A332V, A338V.
Identifiers: ClinVar variation 1318699 (VCV001318699.2), dbSNP rs2153601826, ClinGen allele CA357922944.